The following is an entry in ClinVar:

NM_001009999.3(KDM1A):c.605G>A (p.Arg202Gln)

Gene: KDM1A (lysine demethylase 1A; plus strand). Cytogenetic location: 1p36.12.
Variant type: single nucleotide variant.
Coding change: c.605G>A on transcript NM_001009999.3 (MANE Select); coding-DNA position 605, G replaced by A.
Protein change: p.Arg202Gln; replaces arginine 202 with glutamine.
Molecular consequence: missense variant.
Genome position (GRCh38, 1-based): chr1:23,050,414, G>A. VCF-style: chr1-23050414-G-A. GRCh37 (hg19) VCF-style: chr1-23376907-G-A.
Other names: c.545G>A, p.Arg182Gln (NM_001363654.2, NM_001410763.1, NM_015013.4); c.605G>A, p.Arg202Gln (NM_001410762.1); short protein forms R182Q, R202Q.
Identifiers: ClinVar variation 3863212 (VCV003863212.2).

ClinVar aggregate classification (germline): Uncertain significance. Review status: criteria provided, multiple submitters, no conflicts (2 of 4 stars). 2 submissions from 2 submitters: Uncertain significance (2). Last evaluated 2025-07-20.

Conditions:
Inborn genetic diseases. Identifiers: MedGen C0950123, MeSH D030342.

Submissions (2):

Labcorp Genetics (formerly Invitae), Labcorp
Classification: Uncertain significance. Last evaluated: 2025-07-20. Review status: criteria provided, single submitter. Criteria: Invitae Variant Classification Sherloc (09022015). Collection method: clinical testing. Allele origin: germline.
Comment: This sequence change replaces arginine, which is basic and polar, with glutamine, which is neutral and polar, at codon 202 of the KDM1A protein (p.Arg202Gln). This variant is not present in population databases (gnomAD no frequency). This variant has not been reported in the literature in individuals affected with KDM1A-related conditions. ClinVar contains an entry for this variant (Variation ID: 3863212). Invitae Evidence Modeling of protein sequence and biophysical properties (such as structural, functional, and spatial information, amino acid conservation, physicochemical variation, residue mobility, and thermodynamic stability) indicates that this missense variant is expected to disrupt KDM1A protein function with a positive predictive value of 80%. In summary, the available evidence is currently insufficient to determine the role of this variant in disease. Therefore, it has been classified as a Variant of Uncertain Significance.

Ambry Genetics
Classification: Uncertain significance for Inborn genetic diseases. Last evaluated: 2024-12-17. Review status: criteria provided, single submitter. Criteria: Ambry Variant Classification Scheme 2023. Collection method: clinical testing. Allele origin: germline.
Comment: The p.R202Q variant (also known as c.605G>A), located in coding exon 4 of the KDM1A gene, results from a G to A substitution at nucleotide position 605. The arginine at codon 202 is replaced by glutamine, an amino acid with highly similar properties. This amino acid position is conserved. In addition, this alteration is predicted to be deleterious by in silico analysis. Based on the available evidence, the clinical significance of this variant remains unclear.